The following is an entry in ClinVar:

ClinVar aggregate classification (germline): Uncertain significance (1 of 4 stars; one submission).

Allele frequency attached by ClinVar (database versions not stated): TOPMed below 0.00001; ExAC 0.00004.

Submission:

Labcorp Genetics (formerly Invitae), Labcorp
Classification: Uncertain significance. Last evaluated: 2024-09-08. Review status: criteria provided, single submitter. Criteria: Invitae Variant Classification Sherloc (09022015). Collection method: clinical testing. Allele origin: germline.
Comment: This sequence change replaces valine, which is neutral and non-polar, with methionine, which is neutral and non-polar, at codon 43 of the IFT57 protein (p.Val43Met). This variant is present in population databases (rs758292347, gnomAD 0.03%). This variant has not been reported in the literature in individuals affected with IFT57-related conditions. An algorithm developed to predict the effect of missense changes on protein structure and function (PolyPhen-2) suggests that this variant is likely to be tolerated. In summary, the available evidence is currently insufficient to determine the role of this variant in disease. Therefore, it has been classified as a Variant of Uncertain Significance.

NM_018010.4(IFT57):c.127G>A (p.Val43Met)

Gene: IFT57 (intraflagellar transport 57; minus strand). Cytogenetic location: 3q13.13.
Variant type: single nucleotide variant.
Coding change: c.127G>A on transcript NM_018010.4 (MANE Select); coding-DNA position 127, G replaced by A.
Protein change: p.Val43Met; replaces valine 43 with methionine.
Molecular consequence: missense variant.
Genome position (GRCh38, 1-based): chr3:108,222,196, C>T on the plus strand (G>A on the coding strand, the complement: IFT57 is on the minus strand). VCF-style: chr3-108222196-C-T. GRCh37 (hg19) VCF-style: chr3-107941043-C-T.
Other names: short protein forms V43M.
Identifiers: ClinVar variation 2906786 (VCV002906786.3), dbSNP rs758292347, ClinGen allele CA2526831.
Genomic context (GRCh38, chr3:108,222,196, plus strand): 5'-TCCGGAGGAACTCCTCCTCGTAGCGGAGCAGCTTCAGCTTCTCCACCAAGTCCTCCATCA[C>T]CACGAACATGTGGTAGGCCGCGCCGGGCCCCCGCTCCAAGACCACTTCCCCGGTCCCTTC-3'
Protein context (NP_060480.1, residues 33-53): GPGAAYHMFV[Val43Met]MEDLVEKLKL